The following is an entry in ClinVar:

NM_015466.4(PTPN23):c.4709C>T (p.Ser1570Leu)

Gene: PTPN23 (protein tyrosine phosphatase non-receptor type 23; plus strand). Cytogenetic location: 3p21.31.
Variant type: single nucleotide variant.
Coding change: c.4709C>T on transcript NM_015466.4 (MANE Select); coding-DNA position 4709, C replaced by T.
Protein change: p.Ser1570Leu; replaces serine 1570 with leucine.
Molecular consequence: missense variant.
Genome position (GRCh38, 1-based): chr3:47,412,983, C>T. VCF-style: chr3-47412983-C-T. GRCh37 (hg19) VCF-style: chr3-47454473-C-T.
Other names: c.4331C>T, p.Ser1444Leu (NM_001304482.2); c.4709C>T (NM_015466.2); short protein forms S1570L, S1444L.
Identifiers: ClinVar variation 1443650 (VCV001443650.38), dbSNP rs145450943, ClinGen allele CA2366684.

ClinVar aggregate classification (germline): Conflicting classifications of pathogenicity. Review status: criteria provided, conflicting classifications (1 of 4 stars). 3 submissions from 3 submitters: Uncertain significance (2); Likely benign (1). Last evaluated 2026-01-05.

Conditions:
Inborn genetic diseases. Identifiers: MedGen C0950123, MeSH D030342.

Allele frequency attached by ClinVar (database versions not stated): ExAC 0.00011; ESP Exome Variant Server 0.00015; 1000 Genomes Project 30x 0.00016; 1000 Genomes Project 0.00020.
gnomAD v4.1: 135 of 1,610,948 alleles (0.0084%); highest among the groups gnomAD compares: Non-Finnish European, 0.01%; no homozygotes.

Submissions (3):

Labcorp Genetics (formerly Invitae), Labcorp
Classification: Uncertain significance. Last evaluated: 2026-01-05. Review status: criteria provided, single submitter. Criteria: Invitae Variant Classification Sherloc (09022015). Collection method: clinical testing. Allele origin: germline.
Comment: This sequence change replaces serine, which is neutral and polar, with leucine, which is neutral and non-polar, at codon 1570 of the PTPN23 protein (p.Ser1570Leu). This variant is present in population databases (rs145450943, gnomAD 0.01%). This variant has not been reported in the literature in individuals affected with PTPN23-related conditions. ClinVar contains an entry for this variant (Variation ID: 1443650). An algorithm developed to predict the effect of missense changes on protein structure and function outputs the following: PolyPhen-2: "Not Available". The leucine amino acid residue is found in multiple mammalian species, which suggests that this missense change does not adversely affect protein function. In summary, the available evidence is currently insufficient to determine the role of this variant in disease. Therefore, it has been classified as a Variant of Uncertain Significance.

Ambry Genetics
Classification: Likely benign for Inborn genetic diseases. Last evaluated: 2024-01-04. Review status: criteria provided, single submitter. Criteria: Ambry Variant Classification Scheme 2023. Collection method: clinical testing. Allele origin: germline.

CeGaT Center for Human Genetics Tuebingen
Classification: Uncertain significance. Last evaluated: 2022-01-01. Review status: criteria provided, single submitter. Criteria: CeGaT Center For Human Genetics Tuebingen Variant Classification Criteria Version 2. Collection method: clinical testing. Allele origin: germline. Affected: yes. Observed: 1 variant allele.